The following is an entry in ClinVar:

NM_015340.4(LARS2):c.2305_2306del (p.Ser769fs)

Gene: LARS2 (leucyl-tRNA synthetase 2, mitochondrial; plus strand). Cytogenetic location: 3p21.31.
Variant type: Microsatellite.
Coding change: c.2305_2306del on transcript NM_015340.4 (MANE Select); coding-DNA positions 2305 to 2306, 2 bases deleted (AG; older notation c.2305_2306delAG).
Protein change: p.Ser769fs; shifts the reading frame from serine 769.
Molecular consequence: frameshift variant.
Genome position (GRCh38, 1-based): chr3:45,524,009-45,524,010, AG deleted; deleting any 2 consecutive bases within chr3:45,524,007-45,524,010 gives the same sequence; the c. name uses the placement nearest the transcript's 3' end. VCF-style (leftmost placement, unchanged base first): chr3-45524006-CAG-C. GRCh37 (hg19) VCF-style: chr3-45565498-CAG-C.
Other names: c.2305_2306del, p.Ser769fs (NM_001368263.1); short protein forms S769fs.
Identifiers: ClinVar variation 5016820 (VCV005016820.1).
Genomic context (GRCh38, chr3:45,524,006, plus strand): 5'-CGTGCTTATTTTTACACCTCAGTCTTCTTACTTTTTTTTCCTCTTCCTTAGCAAGCCTCT[CAG>C]AGCGTCATTCTCCACAGCCCCGAGTTTGAGGATGCTTTGTGTGCCCTGATGGTAATGGCT-3'

ClinVar aggregate classification (germline): Likely pathogenic (1 of 4 stars; one submission).

Submission:

GeneDx
Classification: Likely pathogenic. Last evaluated: 2026-04-01. Review status: criteria provided, single submitter. Criteria: GeneDx Variant Classification Process June 2021. Collection method: clinical testing. Allele origin: germline.
Comment: Frameshift variant predicted to result in protein truncation or nonsense mediated decay in a gene for which loss of function is a known mechanism of disease; Not observed at significant frequency in large population cohorts (gnomAD); Has not been previously published as pathogenic or benign to our knowledge